The following is an entry in ClinVar:

ClinVar aggregate classification (germline): Uncertain significance (1 of 4 stars; one submission).

Submission:

Labcorp Genetics (formerly Invitae), Labcorp
Classification: Uncertain significance. Last evaluated: 2022-01-14. Review status: criteria provided, single submitter. Criteria: Invitae Variant Classification Sherloc (09022015). Collection method: clinical testing. Allele origin: germline.
Comment: In summary, the available evidence is currently insufficient to determine the role of this variant in disease. Therefore, it has been classified as a Variant of Uncertain Significance. Algorithms developed to predict the effect of missense changes on protein structure and function are either unavailable or do not agree on the potential impact of this missense change (SIFT: "Deleterious"; PolyPhen-2: "Probably Damaging"; Align-GVGD: "Class C0"). This variant has not been reported in the literature in individuals affected with ACVR1-related conditions. This variant is not present in population databases (gnomAD no frequency). This sequence change replaces leucine, which is neutral and non-polar, with proline, which is neutral and non-polar, at codon 57 of the ACVR1 protein (p.Leu57Pro).

NM_001111067.4(ACVR1):c.170T>C (p.Leu57Pro)

Gene: ACVR1 (activin A receptor type 1; minus strand). Cytogenetic location: 2q24.1.
Variant type: single nucleotide variant.
Coding change: c.170T>C on transcript NM_001111067.4 (MANE Select); coding-DNA position 170, T replaced by C.
Protein change: p.Leu57Pro; replaces leucine 57 with proline.
Molecular consequence: missense variant.
Genome position (GRCh38, 1-based): chr2:157,780,498, A>G on the plus strand (T>C on the coding strand, the complement: ACVR1 is on the minus strand). VCF-style: chr2-157780498-A-G. GRCh37 (hg19) VCF-style: chr2-158637010-A-G.
Other names: c.170T>C, p.Leu57Pro (NM_001105.5, NM_001347663.1, NM_001347664.1 and 3 more transcripts); short protein forms L57P.
Identifiers: ClinVar variation 2076768 (VCV002076768.4), dbSNP rs2467967614, ClinGen allele CA349193847.